The following is an entry in ClinVar:

ClinVar aggregate classification (germline): Uncertain significance. Review status: criteria provided, multiple submitters, no conflicts (2 of 4 stars). 2 submissions from 2 submitters: Uncertain significance (2). Last evaluated 2024-11-09.

Conditions:
Neuroblastoma, susceptibility to, 3. Also called: ALK-Related Neuroblastic Tumor Susceptibility. Identifiers: Orphanet 635, MedGen C2751681, MONDO:0013083, OMIM 613014.
Hereditary cancer-predisposing syndrome. Also called: Hereditary Cancer Syndrome; Hereditary neoplastic syndrome; Neoplastic Syndromes, Hereditary; Tumor predisposition. Identifiers: Orphanet 140162, MedGen C0027672, MeSH D009386, MONDO:0015356.

gnomAD v4.1: 1 of 1,613,556 alleles (0.000062%); highest among the groups gnomAD compares: South Asian, 0.0011%; no homozygotes.

Submissions (2):

Ambry Genetics
Classification: Uncertain significance for Hereditary cancer-predisposing syndrome. Last evaluated: 2024-11-09. Review status: criteria provided, single submitter. Criteria: Ambry Variant Classification Scheme 2023. Collection method: clinical testing. Allele origin: germline.
Comment: The p.G1202A variant (also known as c.3605G>C), located in coding exon 23 of the ALK gene, results from a G to C substitution at nucleotide position 3605. The glycine at codon 1202 is replaced by alanine, an amino acid with similar properties. This amino acid position is highly conserved in available vertebrate species. In addition, this alteration is predicted to be deleterious by in silico analysis. Based on the available evidence, the clinical significance of this variant remains unclear.

Labcorp Genetics (formerly Invitae), Labcorp
Classification: Uncertain significance for Neuroblastoma, susceptibility to, 3. Last evaluated: 2024-08-28. Review status: criteria provided, single submitter. Criteria: Invitae Variant Classification Sherloc (09022015). Collection method: clinical testing. Allele origin: germline.
Comment: This sequence change replaces glycine, which is neutral and non-polar, with alanine, which is neutral and non-polar, at codon 1202 of the ALK protein (p.Gly1202Ala). This variant is not present in population databases (gnomAD no frequency). This variant has not been reported in the literature in individuals affected with ALK-related conditions. An algorithm developed to predict the effect of missense changes on protein structure and function (PolyPhen-2) suggests that this variant is likely to be disruptive. In summary, the available evidence is currently insufficient to determine the role of this variant in disease. Therefore, it has been classified as a Variant of Uncertain Significance.

NM_004304.5(ALK):c.3605G>C (p.Gly1202Ala)

Gene: ALK (ALK receptor tyrosine kinase; minus strand). Cytogenetic location: 2p23.2.
Variant type: single nucleotide variant.
Coding change: c.3605G>C on transcript NM_004304.5 (MANE Select); coding-DNA position 3605, G replaced by C.
Protein change: p.Gly1202Ala; replaces glycine 1202 with alanine.
Molecular consequence: missense variant.
Genome position (GRCh38, 1-based): chr2:29,220,746, C>G on the plus strand (G>C on the coding strand, the complement: ALK is on the minus strand). VCF-style: chr2-29220746-C-G. GRCh37 (hg19) VCF-style: chr2-29443612-C-G.
Other names: c.401G>C, p.Gly134Ala (NM_001353765.2); short protein forms G1202A, G134A.
Identifiers: ClinVar variation 3524985 (VCV003524985.3).